The following is an entry in ClinVar:

NM_020297.4(ABCC9):c.2262T>C (p.Tyr754=)

Gene: ABCC9 (ATP binding cassette subfamily C member 9; minus strand). Cytogenetic location: 12p12.1.
Variant type: single nucleotide variant.
Coding change: c.2262T>C on transcript NM_020297.4 (MANE Select); coding-DNA position 2262, T replaced by C.
Protein change: p.Tyr754=; no amino-acid change (tyrosine 754 retained).
Molecular consequence: synonymous variant.
Genome position (GRCh38, 1-based): chr12:21,863,030, A>G on the plus strand (T>C on the coding strand, the complement: ABCC9 is on the minus strand). VCF-style: chr12-21863030-A-G. GRCh37 (hg19) VCF-style: chr12-22015964-A-G.
Other names: p.Y754Y:TAT>TAC; c.2262T>C, p.Tyr754= (NM_001377273.1, NM_005691.4); c.1395T>C, p.Tyr465= (NM_001377274.1); c.2262T>C (NM_020297.3).
Identifiers: ClinVar variation 45403 (VCV000045403.71), dbSNP rs145561881, ClinGen allele CA282532.

ClinVar aggregate classification (germline): Conflicting classifications of pathogenicity. Review status: criteria provided, conflicting classifications (1 of 4 stars). 12 submissions from 11 submitters: Uncertain significance (2); Benign (3); Likely benign (6). 1 of the submissions does not count toward it. Last evaluated 2026-09-01.

Conditions:
ABCC9-related disorder. Also called: ABCC9-related disorders; ABCC9-related condition.
Cardiovascular phenotype. Identifiers: MedGen CN230736.
Cardiomyopathy (CMYO). Also called: Cardiomyopathies. Identifiers: Orphanet 167848, MedGen C0878544, MONDO:0004994, HP:0001638. Inheritance: Various modes of inheritance.
Hypertrichotic osteochondrodysplasia Cantu type. Also called: Cantú Syndrome; Cantu Syndrome. Identifiers: Orphanet 1517, MedGen C0795905, MONDO:0009406, OMIM 239850.
Dilated cardiomyopathy 1O (CMD1O). Also called: CARDIOMYOPATHY, DILATED, WITH VENTRICULAR TACHYCARDIA. Identifiers: Orphanet 154, MedGen C1837839, MONDO:0012062, OMIM 608569.

Allele frequency attached by ClinVar (database versions not stated): TOPMed 0.00033; gnomAD exomes 0.00039 and 0.00046; ESP Exome Variant Server 0.00023; gnomAD 0.00029 and 0.00033; ExAC 0.00035; 1000 Genomes Project 0.00040; 1000 Genomes Project 30x 0.00047.
gnomAD v4.1: 632 of 1,612,246 alleles (0.039%); highest among the groups gnomAD compares: Middle Eastern, 0.28%; 1 homozygote.

Submissions (12):

CeGaT Center for Human Genetics Tuebingen
Classification: Likely benign. Last evaluated: 2026-09-01. Review status: criteria provided, single submitter. Criteria: CeGaT Center For Human Genetics Tuebingen Variant Classification Criteria Version 2. Collection method: clinical testing. Allele origin: germline. Affected: yes. Observed: 8 variant alleles.
Comment: ABCC9: BP4, BP7

Labcorp Genetics (formerly Invitae), Labcorp
Classification: Likely benign for Dilated cardiomyopathy 1O. Last evaluated: 2026-01-19. Review status: criteria provided, single submitter. Criteria: Invitae Variant Classification Sherloc (09022015). Collection method: clinical testing. Allele origin: germline.

Blueprint Genetics
Classification: Likely benign. Last evaluated: 2024-11-26. Review status: criteria provided, single submitter. Criteria: ACMG Guidelines, 2015. Collection method: clinical testing. Allele origin: germline.

ARUP Laboratories, Molecular Genetics and Genomics, ARUP Laboratories
Classification: Likely benign. Last evaluated: 2023-11-29. Review status: criteria provided, single submitter. Criteria: ARUP Molecular Germline Variant Investigation Process 2024. Collection method: clinical testing. Allele origin: germline.

Women's Health and Genetics/Laboratory Corporation of America, LabCorp
Classification: Benign. Last evaluated: 2021-11-21. Review status: criteria provided, single submitter. Criteria: LabCorp Variant Classification Summary - May 2015. Collection method: clinical testing. Allele origin: germline.

CHEO Genetics Diagnostic Laboratory, Children's Hospital of Eastern Ontario
Classification: Benign for Cardiomyopathy. Last evaluated: 2018-08-22. Review status: criteria provided, single submitter. Criteria: ACMG Guidelines, 2015. Collection method: clinical testing. Allele origin: germline.

Illumina Laboratory Services, Illumina
Classification: Uncertain significance for Hypertrichotic osteochondrodysplasia Cantu type. Last evaluated: 2018-01-13. Review status: criteria provided, single submitter. Criteria: ICSL Variant Classification Criteria 13 December 2019. Collection method: clinical testing. Allele origin: germline.

Illumina Laboratory Services, Illumina
Classification: Uncertain significance for Dilated cardiomyopathy 1O. Last evaluated: 2018-01-13. Review status: criteria provided, single submitter. Criteria: ICSL Variant Classification Criteria 13 December 2019. Collection method: clinical testing. Allele origin: germline.

Ambry Genetics
Classification: Likely benign for Cardiovascular phenotype. Last evaluated: 2017-07-20. Review status: criteria provided, single submitter. Criteria: Ambry Variant Classification Scheme 2023. Collection method: clinical testing. Allele origin: germline.

Laboratory for Molecular Medicine, Mass General Brigham Personalized Medicine
Classification: Likely benign. Last evaluated: 2015-06-24. Review status: criteria provided, single submitter. Criteria: LMM Criteria. Collection method: clinical testing. Allele origin: germline. Observed: 5 variant alleles.
Comment: p.Tyr754Tyr in exon 18 of ABCC9: This variant is not expected to have clinical s ignificance because it does not alter an amino acid residue and is not located w ithin the splice consensus sequence. It has been identified in 34/66250 European chromosomes by the Exome Aggregation Consortium (ExAC; dbSNP rs145561881).

GeneDx
Classification: Benign. Last evaluated: 2014-10-31. Review status: criteria provided, single submitter. Criteria: GeneDx Variant Classification (06012015). Collection method: clinical testing. Allele origin: germline. Affected: yes.
Comment: This variant is considered likely benign or benign based on one or more of the following criteria: it is a conservative change, it occurs at a poorly conserved position in the protein, it is predicted to be benign by multiple in silico algorithms, and/or has population frequency not consistent with disease.

PreventionGenetics, part of Exact Sciences
Classification: Likely benign for ABCC9-related condition. Last evaluated: 2019-03-13. Review status: no assertion criteria provided. Collection method: clinical testing. Allele origin: germline. Not counted in ClinVar's aggregate classification.
Comment: This variant is classified as likely benign based on ACMG/AMP sequence variant interpretation guidelines (Richards et al. 2015 PMID: 25741868, with internal and published modifications).

Literature cited by the submitters: PubMed 20474083 (cited by Ambry Genetics); PubMed 24503780 (cited by Ambry Genetics).